The following is an entry in ClinVar:

ClinVar aggregate classification (germline): Uncertain significance (1 of 4 stars; one submission).

Conditions:
Neuromuscular disease caused by qualitative or quantitative defects of dysferlin. Also called: Dysferlinopathy; Qualitative or quantitative defects of dysferlin. Identifiers: Orphanet 207073, MedGen C2931687, MONDO:0016145.

Allele frequency attached by ClinVar (database versions not stated): gnomAD exomes below 0.00001; TOPMed below 0.00001.
gnomAD v4.1: 1 of 1,614,134 alleles (0.000062%); highest among the groups gnomAD compares: Admixed American, 0.0017%; no homozygotes.

Submission:

Labcorp Genetics (formerly Invitae), Labcorp
Classification: Uncertain significance for Neuromuscular disease caused by qualitative or quantitative defects of dysferlin. Last evaluated: 2021-08-05. Review status: criteria provided, single submitter. Criteria: Invitae Variant Classification Sherloc (09022015). Collection method: clinical testing. Allele origin: germline.
Comment: In summary, the available evidence is currently insufficient to determine the role of this variant in disease. Therefore, it has been classified as a Variant of Uncertain Significance. Advanced modeling of protein sequence and biophysical properties (such as structural, functional, and spatial information, amino acid conservation, physicochemical variation, residue mobility, and thermodynamic stability) performed at Invitae indicates that this missense variant is not expected to disrupt DYSF protein function. This variant has not been reported in the literature in individuals affected with DYSF-related conditions. This variant is not present in population databases (ExAC no frequency). This sequence change replaces proline with leucine at codon 1741 of the DYSF protein (p.Pro1741Leu). The proline residue is moderately conserved and there is a moderate physicochemical difference between proline and leucine.

NM_001130987.2(DYSF):c.5339C>T (p.Pro1780Leu)

Gene: DYSF (dysferlin; plus strand). Cytogenetic location: 2p13.2.
Variant type: single nucleotide variant.
Coding change: c.5339C>T on transcript NM_001130987.2 (MANE Select); coding-DNA position 5339, C replaced by T.
Protein change: p.Pro1780Leu; replaces proline 1780 with leucine.
Molecular consequence: missense variant.
Genome position (GRCh38, 1-based): chr2:71,667,397, C>T. VCF-style: chr2-71667397-C-T. GRCh37 (hg19) VCF-style: chr2-71894527-C-T.
Other names: c.5225C>T, p.Pro1742Leu (NM_001130455.2); c.5180C>T, p.Pro1727Leu (NM_001130976.2); c.5243C>T, p.Pro1748Leu (NM_001130977.2); c.5285C>T, p.Pro1762Leu (NM_001130978.2); c.5315C>T, p.Pro1772Leu (NM_001130979.2); c.5273C>T, p.Pro1758Leu (NM_001130980.2); c.5336C>T, p.Pro1779Leu (NM_001130981.2); c.5318C>T, p.Pro1773Leu (NM_001130982.2); and 5 more; short protein forms P1728L, P1748L, P1749L, P1780L, P1727L, P1762L, P1741L, P1742L.
Identifiers: ClinVar variation 1470402 (VCV001470402.6), dbSNP rs2095034360, ClinGen allele CA347221253.
Genomic context (GRCh38, chr2:71,667,397, plus strand): 5'-CCCAGCTCCTGCAACTTTTTTGTCTTCTCTCTGGGGCAGAGGCTGGCAGGATCCCAAACC[C>T]ACACCTGGGCCCAGTGGAGGAGCGTCTGGCTCTGCATGTGCTTCAGCAGCAGGGCCTGGT-3'
Protein context (NP_001124459.1, residues 1770-1790): EEIEAGRIPN[Pro1780Leu]HLGPVEERLA